The following is an entry in ClinVar:

ClinVar aggregate classification (germline): Uncertain significance. Review status: criteria provided, multiple submitters, no conflicts (2 of 4 stars). 2 submissions from 2 submitters: Uncertain significance (2). Last evaluated 2024-10-15.

Conditions:
Inborn genetic diseases. Identifiers: MedGen C0950123, MeSH D030342.

Allele frequency attached by ClinVar (database versions not stated): gnomAD 0.00003 and 0.00005; TOPMed 0.00006.
gnomAD v4.1: 6 of 1,613,464 alleles (0.00037%); highest among the groups gnomAD compares: Admixed American, 0.0083%; no homozygotes.

Submissions (2):

Labcorp Genetics (formerly Invitae), Labcorp
Classification: Uncertain significance. Last evaluated: 2024-10-15. Review status: criteria provided, single submitter. Criteria: Invitae Variant Classification Sherloc (09022015). Collection method: clinical testing. Allele origin: germline.
Comment: This sequence change replaces lysine, which is basic and polar, with glutamine, which is neutral and polar, at codon 124 of the CYFIP2 protein (p.Lys124Gln). This variant is present in population databases (no rsID available, gnomAD no frequency). This variant has not been reported in the literature in individuals affected with CYFIP2-related conditions. ClinVar contains an entry for this variant (Variation ID: 1391258). Experimental studies and prediction algorithms are not available or were not evaluated, and the functional significance of this variant is currently unknown. In summary, the available evidence is currently insufficient to determine the role of this variant in disease. Therefore, it has been classified as a Variant of Uncertain Significance.

Ambry Genetics
Classification: Uncertain significance for Inborn genetic diseases. Last evaluated: 2024-06-13. Review status: criteria provided, single submitter. Criteria: Ambry Variant Classification Scheme 2023. Collection method: clinical testing. Allele origin: germline.

NM_001037333.3(CYFIP2):c.370A>C (p.Lys124Gln)

Gene: CYFIP2 (cytoplasmic FMR1 interacting protein 2; plus strand). Cytogenetic location: 5q33.3.
Variant type: single nucleotide variant.
Coding change: c.370A>C on transcript NM_001037333.3 (MANE Select); coding-DNA position 370, A replaced by C.
Protein change: p.Lys124Gln; replaces lysine 124 with glutamine.
Molecular consequence: missense variant.
Genome position (GRCh38, 1-based): chr5:157,296,757, A>C. VCF-style: chr5-157296757-A-C. GRCh37 (hg19) VCF-style: chr5-156723765-A-C.
Other names: c.370A>C (NM_001037333.1); c.292A>C, p.Lys98Gln (NM_001291721.2); c.370A>C, p.Lys124Gln (NM_001291722.2, NM_014376.4); short protein forms K98Q, K124Q.
Identifiers: ClinVar variation 1391258 (VCV001391258.7), dbSNP rs1231011270, ClinGen allele CA361966041.